The following is an entry in ClinVar:

ClinVar aggregate classification (germline): Uncertain significance (1 of 4 stars; one submission).

Allele frequency attached by ClinVar (database versions not stated): gnomAD 0.00001; gnomAD exomes 0.00001; TOPMed 0.00001.
gnomAD v4.1: 4 of 1,611,046 alleles (0.00025%); highest among the groups gnomAD compares: South Asian, 0.0022%; no homozygotes.

Submission:

CeGaT Center for Human Genetics Tuebingen
Classification: Uncertain significance. Last evaluated: 2023-07-01. Review status: criteria provided, single submitter. Criteria: CeGaT Center For Human Genetics Tuebingen Variant Classification Criteria Version 2. Collection method: clinical testing. Allele origin: germline. Affected: yes. Observed: 1 variant allele.
Comment: ALS2: PM2, PP3

NM_020919.4(ALS2):c.596C>T (p.Ala199Val)

Gene: ALS2 (alsin Rho guanine nucleotide exchange factor ALS2; minus strand). Cytogenetic location: 2q33.1.
Variant type: single nucleotide variant.
Coding change: c.596C>T on transcript NM_020919.4 (MANE Select); coding-DNA position 596, C replaced by T.
Protein change: p.Ala199Val; replaces alanine 199 with valine.
Molecular consequence: missense variant.
Genome position (GRCh38, 1-based): chr2:201,761,398, G>A on the plus strand (C>T on the coding strand, the complement: ALS2 is on the minus strand). VCF-style: chr2-201761398-G-A. GRCh37 (hg19) VCF-style: chr2-202626121-G-A.
Other names: c.596C>T, p.Ala199Val (NM_001135745.2, NM_001410975.1); short protein forms A199V.
Identifiers: ClinVar variation 2578894 (VCV002578894.25), dbSNP rs576502295, ClinGen allele CA63971593.